The following is an entry in ClinVar:

ClinVar aggregate classification (germline): Pathogenic (1 of 4 stars; one submission).

Conditions:
Pyridoxal phosphate-responsive seizures (PNPOD). Also called: Pyridoxamine 5-Prime-Phosphate Oxidase Deficiency; Pyridoxine-5'-phosphate oxidase deficiency; Pyridoxal 5'-Phosphate (PLP)-Dependent Epilepsy; EPILEPTIC ENCEPHALOPATHY, NEONATAL, PNPO-RELATED; SEIZURES, PYRIDOXINE-RESISTANT, PLP-SENSITIVE. Identifiers: Orphanet 79096, MedGen C1864723, MONDO:0012407, OMIM 610090. Disease mechanism: loss of function.

Submission:

Labcorp Genetics (formerly Invitae), Labcorp
Classification: Pathogenic for Pyridoxal phosphate-responsive seizures. Last evaluated: 2023-12-27. Review status: criteria provided, single submitter. Criteria: Invitae Variant Classification Sherloc (09022015). Collection method: clinical testing. Allele origin: germline.
Comment: This sequence change creates a premature translational stop signal (p.His24Serfs*26) in the PNPO gene. It is expected to result in an absent or disrupted protein product. Loss-of-function variants in PNPO are known to be pathogenic (PMID: 15772097, 24645144). This variant is not present in population databases (gnomAD no frequency). This variant has not been reported in the literature in individuals affected with PNPO-related conditions. For these reasons, this variant has been classified as Pathogenic.

Literature cited by the submitters: PubMed 15772097; PubMed 24645144.

NM_018129.4(PNPO):c.69dup (p.His24fs)

Gene: PNPO (pyridoxamine 5'-phosphate oxidase; plus strand). Cytogenetic location: 17q21.32.
Variant type: Duplication.
Coding change: c.69dup on transcript NM_018129.4 (MANE Select); coding-DNA position 69, one base duplicated (T; older notation c.69dupT).
Protein change: p.His24fs; shifts the reading frame from histidine 24.
Molecular consequence: frameshift variant.
Genome position (GRCh38, 1-based): chr17:47,941,744, T duplicated. VCF-style (leftmost placement, unchanged base first): chr17-47941743-G-GT. GRCh37 (hg19) VCF-style: chr17-46019109-G-GT.
Other names: short protein forms H24fs.
Identifiers: ClinVar variation 2882403 (VCV002882403.3), dbSNP rs2035938455, ClinGen allele CA2262898558.